The following is an entry in ClinVar:

ClinVar aggregate classification (germline): Uncertain significance (1 of 4 stars; one submission).

Allele frequency attached by ClinVar (database versions not stated): gnomAD 0.00004.
gnomAD v4.1: 70 of 1,606,250 alleles (0.0044%); highest among the groups gnomAD compares: Admixed American, 0.1%; no homozygotes.

Submission:

Labcorp Genetics (formerly Invitae), Labcorp
Classification: Uncertain significance. Last evaluated: 2022-08-19. Review status: criteria provided, single submitter. Criteria: Invitae Variant Classification Sherloc (09022015). Collection method: clinical testing. Allele origin: germline.
Comment: This sequence change replaces alanine, which is neutral and non-polar, with valine, which is neutral and non-polar, at codon 166 of the HPGD protein (p.Ala166Val). This variant is present in population databases (rs779915935, gnomAD 0.2%). This variant has not been reported in the literature in individuals affected with HPGD-related conditions. ClinVar contains an entry for this variant (Variation ID: 1366843). Algorithms developed to predict the effect of missense changes on protein structure and function are either unavailable or do not agree on the potential impact of this missense change (SIFT: "Deleterious"; PolyPhen-2: "Probably Damaging"; Align-GVGD: "Class C0"). Algorithms developed to predict the effect of sequence changes on RNA splicing suggest that this variant may disrupt the consensus splice site. In summary, the available evidence is currently insufficient to determine the role of this variant in disease. Therefore, it has been classified as a Variant of Uncertain Significance.

NM_000860.6(HPGD):c.497C>T (p.Ala166Val)

Gene: HPGD (15-hydroxyprostaglandin dehydrogenase; minus strand). Cytogenetic location: 4q34.1.
Variant type: single nucleotide variant.
Coding change: c.497C>T on transcript NM_000860.6 (MANE Select); coding-DNA position 497, C replaced by T.
Protein change: p.Ala166Val; replaces alanine 166 with valine.
Molecular consequence: missense variant. On other transcripts: intron variant (1).
Genome position (GRCh38, 1-based): chr4:174,495,549, G>A on the plus strand (C>T on the coding strand, the complement: HPGD is on the minus strand). VCF-style: chr4-174495549-G-A. GRCh37 (hg19) VCF-style: chr4-175416700-G-A.
Other names: c.497C>T, p.Ala166Val (NM_001145816.3); c.134C>T, p.Ala45Val (NM_001256301.1, NM_001256307.2); c.293C>T, p.Ala98Val (NM_001256306.2); c.422-3455C>T (NM_001256305.2); short protein forms A166V, A45V, A98V.
Identifiers: ClinVar variation 1366843 (VCV001366843.3), dbSNP rs779915935, ClinGen allele CA3142248.